The following is an entry in ClinVar:

ClinVar aggregate classification (germline): Uncertain significance (1 of 4 stars; one submission).

Allele frequency attached by ClinVar (database versions not stated): TOPMed 0.00001.
gnomAD v4.1: 34 of 1,609,158 alleles (0.0021%); highest among the groups gnomAD compares: Middle Eastern, 0.017%; no homozygotes.

Submission:

Labcorp Genetics (formerly Invitae), Labcorp
Classification: Uncertain significance. Last evaluated: 2025-11-05. Review status: criteria provided, single submitter. Criteria: Invitae Variant Classification Sherloc (09022015). Collection method: clinical testing. Allele origin: germline.
Comment: This sequence change replaces arginine, which is basic and polar, with glutamine, which is neutral and polar, at codon 654 of the CACNA2D4 protein (p.Arg654Gln). This variant is present in population databases (rs766608515, gnomAD 0.02%). This variant has not been reported in the literature in individuals affected with CACNA2D4-related conditions. ClinVar contains an entry for this variant (Variation ID: 937601). An algorithm developed to predict the effect of missense changes on protein structure and function outputs the following: PolyPhen-2: "Benign". The glutamine amino acid residue is found in multiple mammalian species, which suggests that this missense change does not adversely affect protein function. In summary, the available evidence is currently insufficient to determine the role of this variant in disease. Therefore, it has been classified as a Variant of Uncertain Significance.

NM_172364.5(CACNA2D4):c.1961G>A (p.Arg654Gln)

Gene: CACNA2D4 (calcium voltage-gated channel auxiliary subunit alpha2delta 4; minus strand). Cytogenetic location: 12p13.33.
Variant type: single nucleotide variant.
Coding change: c.1961G>A on transcript NM_172364.5 (MANE Select); coding-DNA position 1961, G replaced by A.
Protein change: p.Arg654Gln; replaces arginine 654 with glutamine.
Molecular consequence: missense variant.
Genome position (GRCh38, 1-based): chr12:1,858,624, C>T on the plus strand (G>A on the coding strand, the complement: CACNA2D4 is on the minus strand). VCF-style: chr12-1858624-C-T. GRCh37 (hg19) VCF-style: chr12-1967790-C-T.
Other names: short protein forms R654Q.
Identifiers: ClinVar variation 937601 (VCV000937601.8), dbSNP rs766608515, ClinGen allele CA6386909.